The following is an entry in ClinVar:

ClinVar aggregate classification (germline): Uncertain significance (1 of 4 stars; one submission).

Conditions:
Retinitis pigmentosa 20 (RP20). Identifiers: Orphanet 791, MedGen C3151086, MONDO:0013425, OMIM 613794.
Leber congenital amaurosis 2 (LCA2). Also called: Autosomal Recessive RPE65-Related Retinal Degeneration; AMAUROSIS CONGENITA OF LEBER II. Identifiers: Orphanet 65, MedGen C1859844, MONDO:0008765, OMIM 204100. Disease mechanism: loss of function.

Submission:

Labcorp Genetics (formerly Invitae), Labcorp
Classification: Uncertain significance for Leber congenital amaurosis 2; Retinitis pigmentosa 20. Last evaluated: 2023-11-07. Review status: criteria provided, single submitter. Criteria: Invitae Variant Classification Sherloc (09022015). Collection method: clinical testing. Allele origin: germline.
Comment: This sequence change replaces aspartic acid, which is acidic and polar, with valine, which is neutral and non-polar, at codon 186 of the RPE65 protein (p.Asp186Val). This variant is not present in population databases (gnomAD no frequency). This variant has not been reported in the literature in individuals affected with RPE65-related conditions. Advanced modeling of protein sequence and biophysical properties (such as structural, functional, and spatial information, amino acid conservation, physicochemical variation, residue mobility, and thermodynamic stability) performed at Invitae indicates that this missense variant is expected to disrupt RPE65 protein function with a positive predictive value of 80%. In summary, the available evidence is currently insufficient to determine the role of this variant in disease. Therefore, it has been classified as a Variant of Uncertain Significance.

NM_000329.3(RPE65):c.557A>T (p.Asp186Val)

Gene: RPE65 (retinoid isomerohydrolase RPE65; minus strand). Cytogenetic location: 1p31.3.
Variant type: single nucleotide variant.
Coding change: c.557A>T on transcript NM_000329.3 (MANE Select); coding-DNA position 557, A replaced by T.
Protein change: p.Asp186Val; replaces aspartic acid 186 with valine.
Molecular consequence: missense variant.
Genome position (GRCh38, 1-based): chr1:68,440,939, T>A on the plus strand (A>T on the coding strand, the complement: RPE65 is on the minus strand). VCF-style: chr1-68440939-T-A. GRCh37 (hg19) VCF-style: chr1-68906622-T-A.
Other names: c.449A>T, p.Asp150Val (NM_001406853.1); c.281A>T, p.Asp94Val (NM_001406856.1, NM_001406857.1); c.557A>T, p.Asp186Val (NM_001406859.1); short protein forms D186V, D94V, D150V.
Identifiers: ClinVar variation 2953678 (VCV002953678.3), dbSNP rs2523432462, ClinGen allele CA340747103.